The following is an entry in ClinVar:

ClinVar aggregate classification (germline): Likely benign. Review status: criteria provided, multiple submitters, no conflicts (2 of 4 stars). 3 submissions from 3 submitters: Likely benign (3). Last evaluated 2024-11-06.

Conditions:
Dyskeratosis congenita. Identifiers: Orphanet 1775, MedGen C0265965, MONDO:0015780.

Allele frequency attached by ClinVar (database versions not stated): ESP Exome Variant Server 0.00039; gnomAD 0.00067 and 0.00068; TOPMed 0.00072; gnomAD exomes 0.00076; ExAC 0.00103.
gnomAD v4.1: 1,666 of 1,598,542 alleles (0.1%); highest among the groups gnomAD compares: Non-Finnish European, 0.12%; 3 homozygotes.

Submissions (3):

Blueprint Genetics
Classification: Likely benign. Last evaluated: 2024-11-06. Review status: criteria provided, single submitter. Criteria: ACMG Guidelines, 2015. Collection method: clinical testing. Allele origin: germline.

Sema4
Classification: Likely benign for Dyskeratosis congenita. Last evaluated: 2020-12-22. Review status: criteria provided, single submitter. Criteria: Sema4 Curation Guidelines. Collection method: curation. Allele origin: germline.

Laboratory for Molecular Medicine, Mass General Brigham Personalized Medicine
Classification: Likely benign. Last evaluated: 2016-03-29. Review status: criteria provided, single submitter. Criteria: LMM Criteria. Collection method: clinical testing. Allele origin: germline.
Comment: Variant identified in a genome or exome case(s) and assessed due to predicted null impact of the variant or pathogenic assertions in the literature or databases. Disclaimer: This variant has not undergone full assessment. The following are preliminary notes: See variant above.

NM_001283009.2(RTEL1):c.1349-13C>T

Genes: RTEL1 (regulator of telomere elongation helicase 1; plus strand), RTEL1-TNFRSF6B (RTEL1-TNFRSF6B readthrough (NMD candidate); plus strand). Cytogenetic location: 20q13.33.
Variant type: single nucleotide variant.
Coding change: c.1349-13C>T on transcript NM_001283009.2 (MANE Select); 13 bases into the intron before coding-DNA position 1349, C replaced by T.
Molecular consequence: intron variant.
Genome position (GRCh38, 1-based): chr20:63,687,625, C>T. VCF-style: chr20-63687625-C-T. GRCh37 (hg19) VCF-style: chr20-62318978-C-T.
Other names: c.680-13C>T (NM_001283010.1); c.1421-13C>T (NM_032957.5); c.1349-13C>T (NM_016434.4).
Identifiers: ClinVar variation 403406 (VCV000403406.6), dbSNP rs376698655, ClinGen allele CA9964774.